The following is an entry in ClinVar:

NM_004174.4(SLC9A3):c.984G>A (p.Ser328=)

Gene: SLC9A3 (solute carrier family 9 member A3). Cytogenetic location: 5p15.33.
Variant type: single nucleotide variant.
Coding change: c.984G>A on transcript NM_004174.4 (MANE Select); coding-DNA position 984, G replaced by A.
Protein change: p.Ser328=; no amino-acid change (serine 328 retained).
Molecular consequence: synonymous variant.
Genome position (GRCh38, 1-based): chr5:483,431, C>T on the plus strand (G>A on the coding strand, the complement: SLC9A3 is on the minus strand). VCF-style: chr5-483431-C-T. GRCh37 (hg19) VCF-style: chr5-483546-C-T.
Other names: c.984G>A, p.Ser328= (NM_001284351.3); c.984G>A (NM_004174.3).
Identifiers: ClinVar variation 1091370 (VCV001091370.11), dbSNP rs778569549, ClinGen allele CA3176107.

ClinVar aggregate classification (germline): Likely benign. Review status: criteria provided, multiple submitters, no conflicts (2 of 4 stars). 3 submissions from 3 submitters: Likely benign (3). Last evaluated 2026-06-22.

Conditions:
SLC9A3-related disorder. Also called: SLC9A3-related condition.

Allele frequency attached by ClinVar (database versions not stated): gnomAD exomes 0.00017 and 0.00024; gnomAD 0.00020 and 0.00021; TOPMed 0.00020; ExAC 0.00028.
gnomAD v4.1: 374 of 1,576,586 alleles (0.024%); highest among the groups gnomAD compares: Non-Finnish European, 0.028%; no homozygotes.

Submissions (3):

PreventionGenetics, part of Exact Sciences
Classification: Likely benign for SLC9A3-related condition. Last evaluated: 2026-06-22. Review status: criteria provided, single submitter. Criteria: ACMG Guidelines, 2015. Collection method: clinical testing. Allele origin: germline.
Comment: This variant is classified as likely benign based on ACMG/AMP sequence variant interpretation guidelines (Richards et al. 2015 PMID: 25741868, with internal and published modifications).

Labcorp Genetics (formerly Invitae), Labcorp
Classification: Likely benign. Last evaluated: 2026-02-01. Review status: criteria provided, single submitter. Criteria: Invitae Variant Classification Sherloc (09022015). Collection method: clinical testing. Allele origin: germline.

Blueprint Genetics
Classification: Likely benign. Last evaluated: 2024-11-07. Review status: criteria provided, single submitter. Criteria: ACMG Guidelines, 2015. Collection method: clinical testing. Allele origin: germline.